The following is an entry in ClinVar:

ClinVar aggregate classification (germline): Likely benign. Review status: criteria provided, multiple submitters, no conflicts (2 of 4 stars). 2 submissions from 2 submitters: Likely benign (2). Last evaluated 2025-12-26.

Conditions:
PDE6A-related disorder. Also called: PDE6A-related condition.

Allele frequency attached by ClinVar (database versions not stated): ExAC 0.00003; gnomAD exomes 0.00003; gnomAD 0.00007; TOPMed 0.00007; ESP Exome Variant Server 0.00008.

Submissions (2):

PreventionGenetics, part of Exact Sciences
Classification: Likely benign for PDE6A-related condition. Last evaluated: 2025-12-26. Review status: criteria provided, single submitter. Criteria: ACMG Guidelines, 2015. Collection method: clinical testing. Allele origin: germline.
Comment: This variant is classified as likely benign based on ACMG/AMP sequence variant interpretation guidelines (Richards et al. 2015 PMID: 25741868, with internal and published modifications).

Labcorp Genetics (formerly Invitae), Labcorp
Classification: Likely benign. Last evaluated: 2025-02-03. Review status: criteria provided, single submitter. Criteria: Invitae Variant Classification Sherloc (09022015). Collection method: clinical testing. Allele origin: germline.

NM_000440.3(PDE6A):c.1434G>A (p.Glu478=)

Gene: PDE6A (phosphodiesterase 6A; minus strand). Cytogenetic location: 5q32.
Variant type: single nucleotide variant.
Coding change: c.1434G>A on transcript NM_000440.3 (MANE Select); coding-DNA position 1434, G replaced by A.
Protein change: p.Glu478=; no amino-acid change (glutamic acid 478 retained).
Molecular consequence: synonymous variant.
Genome position (GRCh38, 1-based): chr5:149,896,750, C>T on the plus strand (G>A on the coding strand, the complement: PDE6A is on the minus strand). VCF-style: chr5-149896750-C-T. GRCh37 (hg19) VCF-style: chr5-149276313-C-T.
Other names: c.1434G>A (NM_000440.2).
Identifiers: ClinVar variation 1159336 (VCV001159336.11), dbSNP rs138205652, ClinGen allele CA3504683.